The following is an entry in ClinVar:

NM_001127222.2(CACNA1A):c.4270G>T (p.Glu1424Ter)

Gene: CACNA1A (calcium voltage-gated channel subunit alpha1 A; minus strand). Cytogenetic location: 19p13.13.
Variant type: single nucleotide variant.
Coding change: c.4270G>T on transcript NM_001127222.2 (MANE Select); coding-DNA position 4270, G replaced by T.
Protein change: p.Glu1424Ter; replaces glutamic acid 1424 with a stop codon.
Molecular consequence: nonsense.
Genome position (GRCh38, 1-based): chr19:13,259,682, C>A on the plus strand (G>T on the coding strand, the complement: CACNA1A is on the minus strand). VCF-style: chr19-13259682-C-A. GRCh37 (hg19) VCF-style: chr19-13370496-C-A.
Other names: c.4282G>T, p.Glu1428Ter (NM_000068.4, NM_023035.3); c.4273G>T, p.Glu1425Ter (NM_001127221.2, NM_001174080.2); short protein forms E1424*, E1425*, E1428*.
Identifiers: ClinVar variation 1709038 (VCV001709038.3), dbSNP rs2512751813, ClinGen allele CA404339462.
Genomic context (GRCh38, chr19:13,259,682, plus strand): 5'-TGTCGTAATGGAATTCATACTTCTTCCACTCCCGGTCTCGCGCCTTCACCTCATTCTTCT[C>A]GTAGAGGAGGTATTTGCCTCTGCCACAGAGAGTGGGGACTGTTAGTAAATGGGAAAGAGG-3'

ClinVar aggregate classification (germline): Pathogenic/Likely pathogenic. Review status: criteria provided, multiple submitters, no conflicts (2 of 4 stars). 2 submissions from 2 submitters: Pathogenic (1); Likely pathogenic (1). Last evaluated 2026-01-08.

Conditions:
Developmental and epileptic encephalopathy, 42 (DEE42A). Also called: DEVELOPMENTAL AND EPILEPTIC ENCEPHALOPATHY 42A; EPILEPTIC ENCEPHALOPATHY, EARLY INFANTILE, 42A; Epileptic encephalopathy, early infantile, 42. Identifiers: MedGen C4310716, MONDO:0014917, OMIM 617106.
Episodic ataxia type 2 (EA2). Also called: ACETAZOLAMIDE-RESPONSIVE HEREDITARY PAROXYSMAL CEREBELLAR ATAXIA; CEREBELLAR ATAXIA, PAROXYSMAL, ACETAZOLAMIDE-RESPONSIVE; CEREBELLOPATHY, HEREDITARY PAROXYSMAL; EPISODIC ATAXIA, NYSTAGMUS-ASSOCIATED; ATAXIA, EPISODIC, WITH NYSTAGMUS; ATAXIA, FAMILIAL PAROXYSMAL. Identifiers: Orphanet 97, MedGen C1720416, MONDO:0007163, OMIM 108500.

Submissions (2):

MVZ Martinsried, Medicover Genetics
Classification: Pathogenic for Episodic ataxia type 2. Last evaluated: 2026-01-08. Review status: criteria provided, single submitter. Criteria: ClinGen Variant Curation SOP V3.2 + Classification Guidance July2025. Collection method: clinical testing. Allele origin: inherited. Affected: yes. Observed: 1 heterozygote.

MGZ Medical Genetics Center
Classification: Likely pathogenic for Developmental and epileptic encephalopathy, 42. Last evaluated: 2021-12-24. Review status: criteria provided, single submitter. Criteria: ACMG Guidelines, 2015. Collection method: clinical testing. Allele origin: germline. Affected: yes. Observed: 1 variant allele.
Comment: ACMG criteria applied: PVS1, PM2_SUP